The following is an entry in ClinVar:

ClinVar aggregate classification (germline): Uncertain significance. Review status: criteria provided, multiple submitters, no conflicts (2 of 4 stars). 2 submissions from 2 submitters: Uncertain significance (2). Last evaluated 2022-10-05.

Conditions:
Inborn genetic diseases. Identifiers: MedGen C0950123, MeSH D030342.

Allele frequency attached by ClinVar (database versions not stated): ESP Exome Variant Server 0.00008; TOPMed 0.00013; gnomAD exomes 0.00016; ExAC 0.00021; gnomAD 0.00025 and 0.00026; 1000 Genomes Project 30x 0.00031; 1000 Genomes Project 0.00040.
gnomAD v4.1: 277 of 1,614,122 alleles (0.017%); highest among the groups gnomAD compares: Non-Finnish European, 0.021%; 1 homozygote.

Submissions (2):

Labcorp Genetics (formerly Invitae), Labcorp
Classification: Uncertain significance. Last evaluated: 2022-10-05. Review status: criteria provided, single submitter. Criteria: Invitae Variant Classification Sherloc (09022015). Collection method: clinical testing. Allele origin: germline.
Comment: This sequence change replaces aspartic acid, which is acidic and polar, with asparagine, which is neutral and polar, at codon 23 of the MBTPS1 protein (p.Asp23Asn). This variant is present in population databases (rs140561689, gnomAD 0.05%). This variant has not been reported in the literature in individuals affected with MBTPS1-related conditions. ClinVar contains an entry for this variant (Variation ID: 1379428). Algorithms developed to predict the effect of missense changes on protein structure and function (SIFT, PolyPhen-2, Align-GVGD) all suggest that this variant is likely to be tolerated. In summary, the available evidence is currently insufficient to determine the role of this variant in disease. Therefore, it has been classified as a Variant of Uncertain Significance.

Ambry Genetics
Classification: Uncertain significance for Inborn genetic diseases. Last evaluated: 2021-08-02. Review status: criteria provided, single submitter. Criteria: Ambry Variant Classification Scheme 2023. Collection method: clinical testing. Allele origin: germline.

NM_003791.4(MBTPS1):c.67G>A (p.Asp23Asn)

Gene: MBTPS1 (membrane bound transcription factor peptidase, site 1; minus strand). Cytogenetic location: 16q24.1.
Variant type: single nucleotide variant.
Coding change: c.67G>A on transcript NM_003791.4 (MANE Select); coding-DNA position 67, G replaced by A.
Protein change: p.Asp23Asn; replaces aspartic acid 23 with asparagine.
Molecular consequence: missense variant.
Genome position (GRCh38, 1-based): chr16:84,101,717, C>T on the plus strand (G>A on the coding strand, the complement: MBTPS1 is on the minus strand). VCF-style: chr16-84101717-C-T. GRCh37 (hg19) VCF-style: chr16-84135322-C-T.
Other names: c.67G>A (NM_003791.2); short protein forms D23N.
Identifiers: ClinVar variation 1379428 (VCV001379428.6), dbSNP rs140561689, ClinGen allele CA8201919.
Genomic context (GRCh38, chr16:84,101,717, plus strand): 5'-AAGTCAGGTGGGAACAGCCAGGGCATGGGGCCTTTTCAAAAGATTTCTTTTCCAGTCTGT[C>T]GCCCAGATGTTTCTTCCCACAGAGCAAAACCACGAGCAGAAGCAGCCAGATGTTGACAAG-3'
Protein context (NP_003782.1, residues 13-33): VLLCGKKHLG[Asp23Asn]RLEKKSFEKA